The following is an entry in ClinVar:

NM_007294.4(BRCA1):c.1166del (p.Ser389fs)

Gene: BRCA1 (BRCA1 DNA repair associated; minus strand). Cytogenetic location: 17q21.31.
Variant type: Deletion.
Coding change: c.1166del on transcript NM_007294.4 (MANE Select); coding-DNA position 1166, one base deleted (G; older notation c.1166delG).
Protein change: p.Ser389fs; shifts the reading frame from serine 389.
Molecular consequence: frameshift variant. On other transcripts: intron variant (137).
Genome position (GRCh38, 1-based): chr17:43,094,365, C deleted on the plus strand (G on the coding strand, the reverse complement: BRCA1 is on the minus strand). VCF-style (leftmost placement, unchanged base first): chr17-43094364-AC-A. GRCh37 (hg19) VCF-style: chr17-41246381-AC-A.
Other names: 1285delG; c.953del, p.Ser318fs (NM_001407571.1, NM_001407853.1, NM_001407894.1 and 9 more transcripts); c.1166del, p.Ser389fs (NM_001407581.1, NM_001407582.1, NM_001407583.1 and 30 more transcripts); c.1163del, p.Ser388fs (NM_001407587.1, NM_001407590.1, NM_001407591.1 and 22 more transcripts); c.1157del, p.Ser386fs (NM_001407646.1, NM_001407647.1); c.1043del, p.Ser348fs (NM_001407648.1, NM_001407664.1, NM_001407665.1 and 19 more transcripts); c.1040del, p.Ser347fs (NM_001407649.1, NM_001407670.1, NM_001407671.1 and 11 more transcripts); c.1088del, p.Ser363fs (NM_001407653.1, NM_001407654.1, NM_001407655.1 and 4 more transcripts); and 41 more; short protein forms S342fs, S389fs, S221fs, S277fs, S278fs, S319fs, S347fs, S348fs.
Identifiers: ClinVar variation 54155 (VCV000054155.4), dbSNP rs273897653, ClinGen allele CA000771.

ClinVar aggregate classification (germline): Pathogenic. Review status: reviewed by expert panel (3 of 4 stars). 2 submissions from 2 submitters: Pathogenic (1). 1 of the submissions does not count toward it. Last evaluated 2016-09-08.

Conditions:
Breast-ovarian cancer, familial, susceptibility to, 1 (BROVCA1). Also called: OVARIAN CANCER, SUSCEPTIBILITY TO; BRCA1 Hereditary Breast and Ovarian Cancer. Identifiers: Orphanet 145, MedGen C2676676, MONDO:0011450, OMIM 604370. Disease mechanism: loss of function.

Submissions (2):

Evidence-based Network for the Interpretation of Germline Mutant Alleles (ENIGMA)
Classification: Pathogenic for Breast-ovarian cancer, familial, susceptibility to, 1. Last evaluated: 2016-09-08. Review status: reviewed by expert panel. Criteria: ENIGMA BRCA1/2 Classification Criteria (2015). Collection method: curation. Allele origin: germline.
Comment: Variant allele predicted to encode a truncated non-functional protein.

Breast Cancer Information Core (BIC) (BRCA1)
Classification: Pathogenic for Breast-ovarian cancer, familial 1. Last evaluated: 2005-10-03. Review status: no assertion criteria provided. Collection method: clinical testing. Allele origin: germline. Affected: yes. Observed: 5 variant alleles. Not counted in ClinVar's aggregate classification.